The following is an entry in ClinVar:

NM_000130.5(F5):c.4085G>C (p.Ser1362Thr)

Gene: F5 (coagulation factor V; minus strand). Cytogenetic location: 1q24.2.
Variant type: single nucleotide variant.
Coding change: c.4085G>C on transcript NM_000130.5 (MANE Select); coding-DNA position 4085, G replaced by C.
Protein change: p.Ser1362Thr; replaces serine 1362 with threonine.
Molecular consequence: missense variant.
Genome position (GRCh38, 1-based): chr1:169,541,005, C>G on the plus strand (G>C on the coding strand, the complement: F5 is on the minus strand). VCF-style: chr1-169541005-C-G. GRCh37 (hg19) VCF-style: chr1-169510243-C-G.
Other names: short protein forms S1362T.
Identifiers: ClinVar variation 2825823 (VCV002825823.3), dbSNP rs2526389351, ClinGen allele CA343145692.

ClinVar aggregate classification (germline): Uncertain significance (1 of 4 stars; one submission).

Conditions:
Congenital factor V deficiency. Also called: LABILE FACTOR DEFICIENCY; OWREN PARAHEMOPHILIA; PARAHEMOPHILIA; Hereditary factor V deficiency disease. Identifiers: Orphanet 326, MedGen C0015499, MONDO:0009210, OMIM 227400.

Submission:

Labcorp Genetics (formerly Invitae), Labcorp
Classification: Uncertain significance for Congenital factor V deficiency. Last evaluated: 2023-01-01. Review status: criteria provided, single submitter. Criteria: Invitae Variant Classification Sherloc (09022015). Collection method: clinical testing. Allele origin: germline.
Comment: In summary, the available evidence is currently insufficient to determine the role of this variant in disease. Therefore, it has been classified as a Variant of Uncertain Significance. Advanced modeling of protein sequence and biophysical properties (such as structural, functional, and spatial information, amino acid conservation, physicochemical variation, residue mobility, and thermodynamic stability) performed at Invitae indicates that this missense variant is not expected to disrupt F5 protein function. This variant has not been reported in the literature in individuals affected with F5-related conditions. This variant is not present in population databases (gnomAD no frequency). This sequence change replaces serine, which is neutral and polar, with threonine, which is neutral and polar, at codon 1362 of the F5 protein (p.Ser1362Thr).